The following is an entry in ClinVar:

ClinVar aggregate classification (germline): Uncertain significance (1 of 4 stars; one submission).

Conditions:
Polyglandular autoimmune syndrome, type 1 (APS1). Also called: Autoimmune polyendocrinopathy syndrome, type I; PGA I; Autoimmune polyendocrinopathy syndrome , type I, with or without reversible metaphyseal dysplasia; APS I; AUTOIMMUNE POLYENDOCRINE SYNDROME, TYPE I, WITH OR WITHOUT REVERSIBLE METAPHYSEAL DYSPLASIA; HYPOADRENOCORTICISM WITH HYPOPARATHYROIDISM AND SUPERFICIAL MONILIASIS. Identifiers: Orphanet 3453, MedGen C0085859, MONDO:0009411, OMIM 240300.

gnomAD v4.1: 2 of 1,533,670 alleles (0.00013%); highest among the groups gnomAD compares: African/African-American, 0.0014%; no homozygotes.

Submission:

Labcorp Genetics (formerly Invitae), Labcorp
Classification: Uncertain significance for Polyglandular autoimmune syndrome, type 1. Last evaluated: 2024-05-06. Review status: criteria provided, single submitter. Criteria: Invitae Variant Classification Sherloc (09022015). Collection method: clinical testing. Allele origin: germline.
Comment: This sequence change replaces alanine, which is neutral and non-polar, with glycine, which is neutral and non-polar, at codon 493 of the AIRE protein (p.Ala493Gly). This variant is present in population databases (no rsID available, gnomAD 0.01%). This variant has not been reported in the literature in individuals affected with AIRE-related conditions. ClinVar contains an entry for this variant (Variation ID: 2092493). Advanced modeling of protein sequence and biophysical properties (such as structural, functional, and spatial information, amino acid conservation, physicochemical variation, residue mobility, and thermodynamic stability) performed at Invitae indicates that this missense variant is not expected to disrupt AIRE protein function with a negative predictive value of 95%. In summary, the available evidence is currently insufficient to determine the role of this variant in disease. Therefore, it has been classified as a Variant of Uncertain Significance.

NM_000383.4(AIRE):c.1478C>G (p.Ala493Gly)

Gene: AIRE (autoimmune regulator; plus strand). Cytogenetic location: 21q22.3.
Variant type: single nucleotide variant.
Coding change: c.1478C>G on transcript NM_000383.4 (MANE Select); coding-DNA position 1478, C replaced by G.
Protein change: p.Ala493Gly; replaces alanine 493 with glycine.
Molecular consequence: missense variant.
Genome position (GRCh38, 1-based): chr21:44,294,478, C>G. VCF-style: chr21-44294478-C-G. GRCh37 (hg19) VCF-style: chr21-45714361-C-G.
Other names: short protein forms A493G.
Identifiers: ClinVar variation 2092493 (VCV002092493.4), dbSNP rs1250312097, ClinGen allele CA410425993.